The following is an entry in ClinVar:

ClinVar aggregate classification (germline): Uncertain significance (1 of 4 stars; one submission).

Conditions:
Kabuki syndrome. Also called: NIIKAWA-KUROKI SYNDROME; Kabuki make-up syndrome. Identifiers: Orphanet 2322, MedGen C0796004, MONDO:0016512.

Allele frequency attached by ClinVar (database versions not stated): gnomAD exomes below 0.00001.
gnomAD v4.1: 2 of 1,613,844 alleles (0.00012%); highest among the groups gnomAD compares: Non-Finnish European, 0.00017%; no homozygotes.

Submission:

Labcorp Genetics (formerly Invitae), Labcorp
Classification: Uncertain significance for Kabuki syndrome. Last evaluated: 2025-01-14. Review status: criteria provided, single submitter. Criteria: Invitae Variant Classification Sherloc (09022015). Collection method: clinical testing. Allele origin: germline.
Comment: This sequence change replaces lysine, which is basic and polar, with glutamic acid, which is acidic and polar, at codon 3001 of the KMT2D protein (p.Lys3001Glu). This variant is not present in population databases (gnomAD no frequency). This variant has not been reported in the literature in individuals affected with KMT2D-related conditions. ClinVar contains an entry for this variant (Variation ID: 2916554). Invitae Evidence Modeling of protein sequence and biophysical properties (such as structural, functional, and spatial information, amino acid conservation, physicochemical variation, residue mobility, and thermodynamic stability) indicates that this missense variant is not expected to disrupt KMT2D protein function with a negative predictive value of 95%. In summary, the available evidence is currently insufficient to determine the role of this variant in disease. Therefore, it has been classified as a Variant of Uncertain Significance.

NM_003482.4(KMT2D):c.9001A>G (p.Lys3001Glu)

Gene: KMT2D (lysine methyltransferase 2D; minus strand). Cytogenetic location: 12q13.12.
Variant type: single nucleotide variant.
Coding change: c.9001A>G on transcript NM_003482.4 (MANE Select); coding-DNA position 9001, A replaced by G.
Protein change: p.Lys3001Glu; replaces lysine 3001 with glutamic acid.
Molecular consequence: missense variant.
Genome position (GRCh38, 1-based): chr12:49,038,355, T>C on the plus strand (A>G on the coding strand, the complement: KMT2D is on the minus strand). VCF-style: chr12-49038355-T-C. GRCh37 (hg19) VCF-style: chr12-49432138-T-C.
Other names: short protein forms K3001E.
Identifiers: ClinVar variation 2916554 (VCV002916554.3), dbSNP rs2498386385, ClinGen allele CA384740017.
Genomic context (GRCh38, chr12:49,038,355, plus strand): 5'-CCTTGGCCACATCCACACCCAGACCCAGGTGAGCAAGCTCTTCATCATCCTCTAGGGCCT[T>C]GTGGGCATCAAAATCGTCATCCAGCTCGGGATCCTCACAGGGCAACTTCCCAGCTTCCAG-3'
Protein context (NP_003473.3, residues 2991-3011): PELDDDFDAH[Lys3001Glu]ALEDDEELAH